The following is an entry in ClinVar:

NM_001379210.1(SLC25A26):c.643A>T (p.Ser215Cys)

Gene: SLC25A26 (solute carrier family 25 member 26; plus strand). Cytogenetic location: 3p14.1.
Variant type: single nucleotide variant.
Coding change: c.643A>T on transcript NM_001379210.1 (MANE Select); coding-DNA position 643, A replaced by T.
Protein change: p.Ser215Cys; replaces serine 215 with cysteine.
Molecular consequence: missense variant. On other transcripts: non-coding transcript variant (15).
Genome position (GRCh38, 1-based): chr3:66,370,538, A>T. VCF-style: chr3-66370538-A-T. GRCh37 (hg19) VCF-style: chr3-66420962-A-T.
Other names: c.379A>T, p.Ser127Cys (NM_001164796.1, NM_001350993.1, NM_001400709.1 and 1 more transcripts); c.643A>T, p.Ser215Cys (NM_001400705.1, NM_173471.4); c.598A>T, p.Ser200Cys (NM_001400707.1); c.334A>T, p.Ser112Cys (NM_001400714.1); short protein forms S127C, S112C, S215C, S200C.
Identifiers: ClinVar variation 3633672 (VCV003633672.2).

ClinVar aggregate classification (germline): Uncertain significance (1 of 4 stars; one submission).

gnomAD v4.1: 65 of 1,613,892 alleles (0.004%); highest among the groups gnomAD compares: Non-Finnish European, 0.0053%; no homozygotes.

Submission:

Labcorp Genetics (formerly Invitae), Labcorp
Classification: Uncertain significance. Last evaluated: 2024-09-27. Review status: criteria provided, single submitter. Criteria: Invitae Variant Classification Sherloc (09022015). Collection method: clinical testing. Allele origin: germline.
Comment: This sequence change replaces serine, which is neutral and polar, with cysteine, which is neutral and slightly polar, at codon 127 of the SLC25A26 protein (p.Ser127Cys). This variant is present in population databases (rs780086174, gnomAD 0.004%). This variant has not been reported in the literature in individuals affected with SLC25A26-related conditions. An algorithm developed to predict the effect of missense changes on protein structure and function (PolyPhen-2) suggests that this variant is likely to be disruptive. In summary, the available evidence is currently insufficient to determine the role of this variant in disease. Therefore, it has been classified as a Variant of Uncertain Significance.